The following is an entry in ClinVar:

ClinVar aggregate classification (germline): Conflicting classifications of pathogenicity. Review status: criteria provided, conflicting classifications (1 of 4 stars). 17 submissions from 13 submitters: Uncertain significance (7); Benign (2); Likely benign (8). Last evaluated 2026-03-23.

Conditions:
TTN-related disorder. Also called: TTN-related condition; TTN-related disease; TTN-related disorders.
Cardiovascular phenotype. Identifiers: MedGen CN230736.
Dilated cardiomyopathy 1G (CMD1G). Identifiers: Orphanet 154, MedGen C1858763, MONDO:0011400, OMIM 604145.
Autosomal recessive limb-girdle muscular dystrophy type 2J (LGMDR10). Also called: Limb-girdle muscular dystrophy, type 2J; MUSCULAR DYSTROPHY, LIMB-GIRDLE, AUTOSOMAL RECESSIVE 10. Identifiers: Orphanet 140922, MedGen C1837342, MONDO:0012127, OMIM 608807.
Cardiomyopathy (CMYO). Also called: Cardiomyopathies. Identifiers: Orphanet 167848, MedGen C0878544, MONDO:0004994, HP:0001638. Inheritance: Various modes of inheritance.
Early-onset myopathy with fatal cardiomyopathy (CMYO5). Also called: Salih Myopathy; CONGENITAL MYOPATHY 5 WITH CARDIOMYOPATHY. Identifiers: Orphanet 289377, MedGen C2673677, MONDO:0012714, OMIM 611705. Disease mechanism: loss of function.
Myopathy, myofibrillar, 9, with early respiratory failure (MFM9). Also called: Hereditary myopathy with early respiratory failure; Myopathy, distal, with early respiratory failure, autosomal dominant; EDSTROM MYOPATHY; MYOPATHY, PROXIMAL, WITH EARLY RESPIRATORY MUSCLE INVOLVEMENT. Identifiers: Orphanet 178464, Orphanet 34521, MedGen C1863599, MONDO:0011362, OMIM 603689.
Tibial muscular dystrophy (TMD). Also called: Udd Distal Myopathy – Tibial Muscular Dystrophy; Tibial muscular dystrophy, tardive; UDD MYOPATHY. Identifiers: Orphanet 609, MedGen C1838244, MONDO:0010870, OMIM 600334.

Allele frequency attached by ClinVar (database versions not stated): TOPMed 0.00023; gnomAD 0.00025 and 0.00027; gnomAD exomes 0.00027 and 0.00038; ESP Exome Variant Server 0.00033; ExAC 0.00037.
gnomAD v4.1: 574 of 1,613,564 alleles (0.036%); highest among the groups gnomAD compares: Non-Finnish European, 0.047%; 1 homozygote.

Submissions (17):

Women's Health and Genetics/Laboratory Corporation of America, LabCorp
Classification: Likely benign. Last evaluated: 2026-03-23. Review status: criteria provided, single submitter. Criteria: LabCorp Variant Classification Summary - May 2015. Collection method: clinical testing. Allele origin: germline.
Comment: Variant summary: Variant summary: TTN c.74698A>C (p.Lys24900Gln), also reported as NM_001267550:c.82402A>C (p.Lys27468Gln), results in a conservative amino acid change located in the A-band of the encoded protein sequence. Algorithms developed to predict the effect of missense changes on protein structure and function are either unavailable or do not agree on the potential impact of this missense change. The variant allele was found at a frequency of 0.00027 in 248628 control chromosomes, predominantly at a frequency of 0.00055 within the Non-Finnish European subpopulation in the gnomAD database, including 1 homozygote. The observed variant frequency within Non-Finnish European control individuals in the gnomAD database is approximately 1.41 fold of the estimated maximal expected allele frequency for a pathogenic variant in TTN causing Dilated Cardiomyopathy phenotype (0.00039). To our knowledge, no occurrence of c.74698A>C in individuals affected with Dilated Cardiomyopathy and no experimental evidence demonstrating its impact on protein function have been reported. ClinVar contains an entry for this variant (Variation ID: 47411). Based on the evidence outlined above, the variant was classified as likely benign.

CeGaT Center for Human Genetics Tuebingen
Classification: Likely benign. Last evaluated: 2025-07-01. Review status: criteria provided, single submitter. Criteria: CeGaT Center For Human Genetics Tuebingen Variant Classification Criteria Version 2. Collection method: clinical testing. Allele origin: germline. Affected: yes. Observed: 2 variant alleles.
Comment: TTN: BP4, BS2

PreventionGenetics, part of Exact Sciences
Classification: Likely benign for TTN-related condition. Last evaluated: 2025-03-24. Review status: criteria provided, single submitter. Criteria: ACMG Guidelines, 2015. Collection method: clinical testing. Allele origin: germline.
Comment: This variant is classified as likely benign based on ACMG/AMP sequence variant interpretation guidelines (Richards et al. 2015 PMID: 25741868, with internal and published modifications).

Blueprint Genetics
Classification: Likely benign. Last evaluated: 2024-07-16. Review status: criteria provided, single submitter. Criteria: ACMG Guidelines, 2015. Collection method: clinical testing. Allele origin: germline.

Athena Diagnostics
Classification: Likely benign. Last evaluated: 2024-07-02. Review status: criteria provided, single submitter. Criteria: Athena Diagnostics Criteria. Collection method: clinical testing. Allele origin: unknown.

Revvity Omics, Revvity
Classification: Uncertain significance. Last evaluated: 2023-03-30. Review status: criteria provided, single submitter. Criteria: ACMG Guidelines, 2015. Collection method: clinical testing. Allele origin: germline.

GeneDx
Classification: Likely benign. Last evaluated: 2021-05-13. Review status: criteria provided, single submitter. Criteria: GeneDx Variant Classification Process June 2021. Collection method: clinical testing. Allele origin: germline. Affected: yes.

CHEO Genetics Diagnostic Laboratory, Children's Hospital of Eastern Ontario
Classification: Likely benign for Cardiomyopathy. Last evaluated: 2020-09-18. Review status: criteria provided, single submitter. Criteria: ACMG Guidelines, 2015. Collection method: clinical testing. Allele origin: germline.

Ambry Genetics
Classification: Uncertain significance for Cardiovascular phenotype. Last evaluated: 2018-12-21. Review status: criteria provided, single submitter. Criteria: Ambry Variant Classification Scheme 2023. Collection method: clinical testing. Allele origin: germline.
Comment: The p.K18403Q variant (also known as c.55207A>C), located in coding exon 153 of the TTN gene, results from an A to C substitution at nucleotide position 55207. The lysine at codon 18403 is replaced by glutamine, an amino acid with similar properties. This amino acid position is not well conserved in available vertebrate species. In addition, this alteration is predicted to be tolerated by in silico analysis. Since supporting evidence is limited at this time, the clinical significance of this alteration remains unclear.

Undiagnosed Diseases Network, NIH
Classification: Likely benign for Autosomal recessive limb-girdle muscular dystrophy type 2J. Last evaluated: 2018-12-05. Review status: criteria provided, single submitter. Criteria: ACMG Guidelines, 2015. Collection method: clinical testing. Allele origin: paternal. Inheritance: Autosomal recessive inheritance. Affected: yes. Observed: 1 variant allele, 1 compound heterozygote.
Comment: A heterozygous c.95252_95254delCAA (p.T31751del) likely pathogenic variant in the TTN gene was also detected. A heterozygous c.74698A>C (p.K24900Q) variant was also detected and found to be likely benign. The c.55018C>T (p.R18340X) variant is in trans configuration with the c.95252_95254delCAA (p.T31751del) and c.74698A>C (p.K24900Q) variants.

Illumina Laboratory Services, Illumina
Classification: Benign for Myopathy, myofibrillar, 9, with early respiratory failure. Last evaluated: 2018-01-12. Review status: criteria provided, single submitter. Criteria: ICSL Variant Classification Criteria 13 December 2019. Collection method: clinical testing. Allele origin: germline.
Comment: This variant was observed in the ICSL laboratory as part of a predisposition screen in an ostensibly healthy population. It had not been previously curated by ICSL or reported in the Human Gene Mutation Database (HGMD: prior to June 1st, 2018), and was therefore a candidate for classification through an automated scoring system. Utilizing variant allele frequency, disease prevalence and penetrance estimates, and inheritance mode, an automated score was calculated to assess if this variant is too frequent to cause the disease. Based on the score and internal cut-off values, a variant classified as benign is not then subjected to further curation. The score for this variant resulted in a classification of benign for this disease.

Illumina Laboratory Services, Illumina
Classification: Uncertain significance for Early-onset myopathy with fatal cardiomyopathy. Last evaluated: 2018-01-12. Review status: criteria provided, single submitter. Criteria: ICSL Variant Classification Criteria 13 December 2019. Collection method: clinical testing. Allele origin: germline.

Illumina Laboratory Services, Illumina
Classification: Uncertain significance for Dilated cardiomyopathy 1G. Last evaluated: 2018-01-12. Review status: criteria provided, single submitter. Criteria: ICSL Variant Classification Criteria 13 December 2019. Collection method: clinical testing. Allele origin: germline.

Illumina Laboratory Services, Illumina
Classification: Uncertain significance for Autosomal recessive limb-girdle muscular dystrophy type 2J. Last evaluated: 2018-01-12. Review status: criteria provided, single submitter. Criteria: ICSL Variant Classification Criteria 13 December 2019. Collection method: clinical testing. Allele origin: germline.

Illumina Laboratory Services, Illumina
Classification: Benign for Tibial muscular dystrophy. Last evaluated: 2018-01-12. Review status: criteria provided, single submitter. Criteria: ICSL Variant Classification Criteria 13 December 2019. Collection method: clinical testing. Allele origin: germline.
Comment: the same text as in the submission from Illumina Laboratory Services, Illumina above.

Labcorp Genetics (formerly Invitae), Labcorp
Classification: Uncertain significance for Dilated cardiomyopathy 1G; Autosomal recessive limb-girdle muscular dystrophy type 2J. Last evaluated: 2017-12-29. Review status: criteria provided, single submitter. Criteria: Invitae Variant Classification Sherloc (09022015). Collection method: clinical testing. Allele origin: germline.

Laboratory for Molecular Medicine, Mass General Brigham Personalized Medicine
Classification: Uncertain significance. Last evaluated: 2013-01-28. Review status: criteria provided, single submitter. Criteria: LMM Criteria. Collection method: clinical testing. Allele origin: germline. Observed: 1 variant allele.
Comment: The Lys24900Gln variant in TTN has not been reported in the literature nor previ ously identified by our laboratory. This variant has been identified in 4/8240 E uropean American chromosomes from a broad population by the NHLBI Exome Sequenci ng Project (dbSNP rs201958805). Computational analyses (biochemical amino acid properties, conservation, AlignGVGD, and PolyP hen2) suggest that this variant may not impact the protein, though this informat ion is not predictive enough to rule out pathogenicity. Additional information i s needed to fully assess the clinical significance of this variant.

Literature cited by the submitters: PubMed 28771489 (cited by Athena Diagnostics).

NM_001267550.2(TTN):c.82402A>C (p.Lys27468Gln)

Genes: TTN (titin; minus strand), TTN-AS1 (TTN antisense RNA 1; plus strand). Cytogenetic location: 2q31.2.
Variant type: single nucleotide variant.
Coding change: c.82402A>C on transcript NM_001267550.2 (MANE Select); coding-DNA position 82402, A replaced by C.
Protein change: p.Lys27468Gln; replaces lysine 27468 with glutamine.
Molecular consequence: missense variant.
Genome position (GRCh38, 1-based): chr2:178,563,730, T>G on the plus strand (A>C on the coding strand, the complement: TTN is on the minus strand). VCF-style: chr2-178563730-T-G. GRCh37 (hg19) VCF-style: chr2-179428457-T-G.
Other names: p.K24900Q:AAG>CAG; c.77479A>C, p.Lys25827Gln (NM_001256850.1); c.74698A>C, p.Lys24900Gln (NM_133378.4); c.55207A>C, p.Lys18403Gln (NM_003319.4); c.55582A>C, p.Lys18528Gln (NM_133432.3); c.55783A>C, p.Lys18595Gln (NM_133437.4); c.82402A>C (NM_001267550.1); short protein forms K27468Q, K24900Q, K25827Q, K18528Q, K18595Q, K18403Q.
Identifiers: ClinVar variation 47411 (VCV000047411.63), dbSNP rs201958805, ClinGen allele CA140922.
Genomic context (GRCh38, chr2:178,563,730, plus strand): 5'-CTACCATAGAATCTTTGGTGATTGCTGAGACTTCAGGTGTTGAGGGAGGACCTGGTGGCT[T>G]ATAAGGATTACAGGCCGTAACAGGCCCAGATTCCAAGGGCTCTCCAATTCCATATTTATT-3'
Protein context (NP_001254479.2, residues 27458-27478): SGPVTACNPY[Lys27468Gln]PPGPPSTPEV